The following is an entry in ClinVar:

ClinVar aggregate classification (germline): Likely benign. Review status: criteria provided, multiple submitters, no conflicts (2 of 4 stars). 4 submissions from 4 submitters: Likely benign (3). 1 of the submissions does not count toward it. Last evaluated 2026-01-26.

Conditions:
Fanconi anemia complementation group C (FANCC). Also called: FANCC-Related Fanconi Anemia; Fanconi anemia, group C; FANCONI PANCYTOPENIA, TYPE 3; FACC. Identifiers: Orphanet 84, MedGen C3468041, MONDO:0009213, OMIM 227645.
Hereditary cancer-predisposing syndrome. Also called: Hereditary Cancer Syndrome; Hereditary neoplastic syndrome; Neoplastic Syndromes, Hereditary; Tumor predisposition. Identifiers: Orphanet 140162, MedGen C0027672, MeSH D009386, MONDO:0015356.
Fanconi anemia (FA). Also called: Fanconi's anemia. Identifiers: Orphanet 84, MedGen C0015625, MeSH D005199, MONDO:0019391.

Allele frequency attached by ClinVar (database versions not stated): gnomAD exomes below 0.00001; gnomAD 0.00001; TOPMed 0.00001.
gnomAD v4.1: 2 of 1,613,664 alleles (0.00012%); highest among the groups gnomAD compares: African/African-American, 0.0027%; no homozygotes.

Submissions (4):

Labcorp Genetics (formerly Invitae), Labcorp
Classification: Likely benign for Fanconi anemia. Last evaluated: 2026-01-26. Review status: criteria provided, single submitter. Criteria: Invitae Variant Classification Sherloc (09022015). Collection method: clinical testing. Allele origin: germline.

Ambry Genetics
Classification: Likely benign for Hereditary cancer-predisposing syndrome. Last evaluated: 2021-07-29. Review status: criteria provided, single submitter. Criteria: Ambry Variant Classification Scheme 2023. Collection method: clinical testing. Allele origin: germline.

GeneDx
Classification: Likely benign. Last evaluated: 2016-08-01. Review status: criteria provided, single submitter. Criteria: GeneDx Variant Classification (06012015). Collection method: clinical testing. Allele origin: germline. Affected: yes.
Comment: This variant is considered likely benign or benign based on one or more of the following criteria: it is a conservative change, it occurs at a poorly conserved position in the protein, it is predicted to be benign by multiple in silico algorithms, and/or has population frequency not consistent with disease.

Natera, Inc.
Classification: Likely benign for Fanconi anemia, group C. Last evaluated: 2020-09-16. Review status: no assertion criteria provided. Collection method: clinical testing. Allele origin: germline. Not counted in ClinVar's aggregate classification.

NM_000136.3(FANCC):c.216A>G (p.Ala72=)

Gene: FANCC (FA complementation group C; minus strand). Cytogenetic location: 9q22.32.
Variant type: single nucleotide variant.
Coding change: c.216A>G on transcript NM_000136.3 (MANE Select); coding-DNA position 216, A replaced by G.
Protein change: p.Ala72=; no amino-acid change (alanine 72 retained).
Molecular consequence: synonymous variant.
Genome position (GRCh38, 1-based): chr9:95,247,466, T>C on the plus strand (A>G on the coding strand, the complement: FANCC is on the minus strand). VCF-style: chr9-95247466-T-C. GRCh37 (hg19) VCF-style: chr9-98009748-T-C.
Other names: c.216A>G, p.Ala72= (NM_001243743.2, NM_001243744.2).
Identifiers: ClinVar variation 388318 (VCV000388318.12), dbSNP rs1057523069, ClinGen allele CA16605756.